The following is an entry in ClinVar:

NM_022455.5(NSD1):c.1149C>T (p.Ile383=)

Gene: NSD1 (nuclear receptor binding SET domain protein 1; plus strand). Cytogenetic location: 5q35.3.
Variant type: single nucleotide variant.
Coding change: c.1149C>T on transcript NM_022455.5 (MANE Select); coding-DNA position 1149, C replaced by T.
Protein change: p.Ile383=; no amino-acid change (isoleucine 383 retained).
Molecular consequence: synonymous variant.
Genome position (GRCh38, 1-based): chr5:177,204,205, C>T. VCF-style: chr5-177204205-C-T. GRCh37 (hg19) VCF-style: chr5-176631206-C-T.
Other names: c.276C>T, p.Ile92= (NM_001365684.2, NM_001409306.1, NM_001409307.1 and 3 more transcripts); c.1149C>T, p.Ile383= (NM_001409301.1, NM_001409302.1, NM_001409303.1); c.729C>T, p.Ile243= (NM_001409304.1); c.396C>T, p.Ile132= (NM_001409305.1).
Identifiers: ClinVar variation 159260 (VCV000159260.51), dbSNP rs34921128, ClinGen allele CA180258.

ClinVar aggregate classification (germline): Conflicting classifications of pathogenicity. Review status: criteria provided, conflicting classifications (1 of 4 stars). 8 submissions from 8 submitters: Uncertain significance (1); Benign (4); Likely benign (3). Last evaluated 2026-06-01.

Conditions:
Sotos syndrome (SOTOS). Also called: CHROMOSOME 5q35 DELETION SYNDROME; CEREBRAL GIGANTISM; Sotos' syndrome; Distinctive facial appearance, overgrowth in childhood, and learning disabilities or delayed development; SOTOS SYNDROME 1. Identifiers: Orphanet 821, MedGen C0175695, MONDO:0019349, OMIM 117550.
Inborn genetic diseases. Identifiers: MedGen C0950123, MeSH D030342.

Allele frequency attached by ClinVar (database versions not stated): gnomAD exomes 0.00018 and 0.00044; ExAC 0.00048; 1000 Genomes Project 0.00100; 1000 Genomes Project 30x 0.00109; gnomAD 0.00169 and 0.00190; ESP Exome Variant Server 0.00177; TOPMed 0.00203.
gnomAD v4.1: 525 of 1,613,982 alleles (0.033%); highest among the groups gnomAD compares: African/African-American, 0.63%; 4 homozygotes.

Submissions (8):

CeGaT Center for Human Genetics Tuebingen
Classification: Likely benign. Last evaluated: 2026-06-01. Review status: criteria provided, single submitter. Criteria: CeGaT Center For Human Genetics Tuebingen Variant Classification Criteria Version 2. Collection method: clinical testing. Allele origin: germline. Affected: yes. Observed: 3 variant alleles.
Comment: NSD1: BP4, BP7, BS1

Labcorp Genetics (formerly Invitae), Labcorp
Classification: Benign. Last evaluated: 2025-12-22. Review status: criteria provided, single submitter. Criteria: Invitae Variant Classification Sherloc (09022015). Collection method: clinical testing. Allele origin: germline.

Blueprint Genetics
Classification: Likely benign. Last evaluated: 2024-08-06. Review status: criteria provided, single submitter. Criteria: ACMG Guidelines, 2015. Collection method: clinical testing. Allele origin: germline.

Genome-Nilou Lab
Classification: Benign for Sotos syndrome. Last evaluated: 2021-07-15. Review status: criteria provided, single submitter. Criteria: ACMG Guidelines, 2015. Collection method: clinical testing. Allele origin: germline. Affected: no.

Ambry Genetics
Classification: Likely benign for Inborn genetic diseases. Last evaluated: 2017-05-31. Review status: criteria provided, single submitter. Criteria: Ambry Variant Classification Scheme 2023. Collection method: clinical testing. Allele origin: germline.

GeneDx
Classification: Benign. Last evaluated: 2015-03-31. Review status: criteria provided, single submitter. Criteria: GeneDx Variant Classification (06012015). Collection method: clinical testing. Allele origin: germline. Affected: yes.
Comment: This variant is considered likely benign or benign based on one or more of the following criteria: it is a conservative change, it occurs at a poorly conserved position in the protein, it is predicted to be benign by multiple in silico algorithms, and/or has population frequency not consistent with disease.

Eurofins Ntd Llc (ga)
Classification: Benign. Last evaluated: 2014-03-18. Review status: criteria provided, single submitter. Criteria: EGL Classification Definitions 2015. Collection method: clinical testing. Allele origin: germline. Observed: 1 variant allele, 1 heterozygote.

Genetic Services Laboratory, University of Chicago
Classification: Uncertain significance for Sotos syndrome 1. Last evaluated: 2013-02-08. Review status: criteria provided, single submitter. Criteria: ACMG Guidelines, 2007. Collection method: clinical testing. Allele origin: germline. Inheritance: Autosomal dominant inheritance.